The following is an entry in ClinVar:

ClinVar aggregate classification (germline): Conflicting classifications of pathogenicity. Review status: criteria provided, conflicting classifications (1 of 4 stars). 8 submissions from 8 submitters: Uncertain significance (1); Benign (4); Likely benign (2). 1 of the submissions does not count toward it. Last evaluated 2026-02-01.

Conditions:
Cardiovascular phenotype. Identifiers: MedGen CN230736.
APOB-related disorder. Also called: APOB-related condition; APOB-related disorders.
Familial hypobetalipoproteinemia 1. Also called: APOB-Related Familial Hypobetalipoproteinemia; Hypobetalipoproteinemia, normotriglyceridemic; Acanthocytosis with hypobetalipoproteinemia. Identifiers: MedGen C4551990, MONDO:0014252, OMIM 615558.
Hypercholesterolemia, autosomal dominant, type B (FHCL2). Also called: APOB-Related Familial Hypercholesterolemia, Autosomal Dominant; HYPERCHOLESTEROLEMIA, FAMILIAL, DUE TO LIGAND-DEFECTIVE APOLIPOPROTEIN B; Familial Hypercholesterolemia Type B; APOLIPOPROTEIN B-100, FAMILIAL DEFECTIVE; APOLIPOPROTEIN B-100, FAMILIAL LIGAND-DEFECTIVE; Hyperlipoproteinemia Type IIb. Identifiers: MedGen C1704417, MONDO:0007751, OMIM 144010.
Hypercholesterolemia, familial, 1. Also called: LDL RECEPTOR DISORDER; Hyperlipoproteinemia Type IIa; HYPER-LOW-DENSITY-LIPOPROTEINEMIA; HYPERCHOLESTEROLEMIC XANTHOMATOSIS, FAMILIAL; Fredrickson type IIa hyperlipoproteinemia; Hyperlipoproteinemia type 2. Identifiers: Orphanet 391665, MedGen C0745103, MONDO:0007750, OMIM 143890.
Familial hypercholesterolemia. Also called: Familial hypercholesterolaemia; Familial hypercholesterolemias. Identifiers: MedGen C0020445, MONDO:0005439.

Allele frequency attached by ClinVar (database versions not stated): gnomAD exomes 0.00020 and 0.00053; ExAC 0.00064; 1000 Genomes Project 30x 0.00125; 1000 Genomes Project 0.00140; gnomAD 0.00182 and 0.00198; TOPMed 0.00209; ESP Exome Variant Server 0.00215.
gnomAD v4.1: 576 of 1,613,590 alleles (0.036%); highest among the groups gnomAD compares: African/African-American, 0.68%; 1 homozygote.

Submissions (8):

CeGaT Center for Human Genetics Tuebingen
Classification: Likely benign. Last evaluated: 2026-02-01. Review status: criteria provided, single submitter. Criteria: CeGaT Center For Human Genetics Tuebingen Variant Classification Criteria Version 2. Collection method: clinical testing. Allele origin: germline. Affected: yes. Observed: 1 variant allele.
Comment: APOB: BP4

Labcorp Genetics (formerly Invitae), Labcorp
Classification: Benign for Familial hypobetalipoproteinemia 1; Hypercholesterolemia, autosomal dominant, type B. Last evaluated: 2026-01-19. Review status: criteria provided, single submitter. Criteria: Invitae Variant Classification Sherloc (09022015). Collection method: clinical testing. Allele origin: germline.

GENinCode PLC
Classification: Benign for Familial hypercholesterolemia. Last evaluated: 2023-11-20. Review status: criteria provided, single submitter. Criteria: ACMG Guidelines, 2015. Collection method: clinical testing. Allele origin: germline.

Ambry Genetics
Classification: Benign for Cardiovascular phenotype. Last evaluated: 2023-01-06. Review status: criteria provided, single submitter. Criteria: Ambry Variant Classification Scheme 2023. Collection method: clinical testing. Allele origin: germline.

Quest Diagnostics Nichols Institute San Juan Capistrano
Classification: Benign. Last evaluated: 2022-04-06. Review status: criteria provided, single submitter. Criteria: Quest Diagnostics criteria. Collection method: clinical testing. Allele origin: unknown.

GeneDx
Classification: Likely benign. Last evaluated: 2020-11-03. Review status: criteria provided, single submitter. Criteria: GeneDx Variant Classification Process June 2021. Collection method: clinical testing. Allele origin: germline. Affected: yes.
Comment: This variant is associated with the following publications: (PMID: 19602640)

Genomic Diagnostic Laboratory, Division of Genomic Diagnostics, Children's Hospital of Philadelphia
Classification: Uncertain significance for Familial hypercholesterolemia. Last evaluated: 2015-10-30. Review status: criteria provided, single submitter. Criteria: DGD Variant Analysis Guidelines. Collection method: clinical testing. Allele origin: unknown.

PreventionGenetics, part of Exact Sciences
Classification: Benign for APOB-related condition. Last evaluated: 2019-10-28. Review status: no assertion criteria provided. Collection method: clinical testing. Allele origin: germline. Not counted in ClinVar's aggregate classification.
Comment: This variant is classified as benign based on ACMG/AMP sequence variant interpretation guidelines (Richards et al. 2015 PMID: 25741868, with internal and published modifications).

Literature cited by the submitters: PubMed 31624253 (cited by Ambry Genetics); PubMed 19602640 (cited by Quest Diagnostics Nichols Institute San Juan Capistrano).

NM_000384.3(APOB):c.12766G>A (p.Glu4256Lys)

Gene: APOB (apolipoprotein B; minus strand). Cytogenetic location: 2p24.1.
Variant type: single nucleotide variant.
Coding change: c.12766G>A on transcript NM_000384.3 (MANE Select); coding-DNA position 12766, G replaced by A.
Protein change: p.Glu4256Lys; replaces glutamic acid 4256 with lysine.
Molecular consequence: missense variant.
Genome position (GRCh38, 1-based): chr2:21,002,656, C>T on the plus strand (G>A on the coding strand, the complement: APOB is on the minus strand). VCF-style: chr2-21002656-C-T. GRCh37 (hg19) VCF-style: chr2-21225528-C-T.
Other names: short protein forms E4256K.
Identifiers: ClinVar variation 252479 (VCV000252479.28), dbSNP rs61743313, ClinGen allele CA051037.